The following is an entry in ClinVar:

ClinVar aggregate classification (germline): Uncertain significance. Review status: criteria provided, multiple submitters, no conflicts (2 of 4 stars). 2 submissions from 2 submitters: Uncertain significance (2). Last evaluated 2025-06-10.

Conditions:
Developmental and epileptic encephalopathy, 30 (DEE30). Also called: Epileptic encephalopathy, early infantile, 30. Identifiers: MedGen C4225360, MONDO:0014595, OMIM 616341.

Submissions (2):

Women's Health and Genetics/Laboratory Corporation of America, LabCorp
Classification: Uncertain significance. Last evaluated: 2025-06-10. Review status: criteria provided, single submitter. Criteria: LabCorp Variant Classification Summary - May 2015. Collection method: clinical testing. Allele origin: germline.
Comment: Variant summary: SIK1 c.2038G>A (p.Ala680Thr) results in a non-conservative amino acid change in the encoded protein sequence. Algorithms developed to predict the effect of missense changes on protein structure and function are either unavailable or do not agree on the potential impact of this missense change. The frequency data for this variant in gnomAD is considered unreliable, as metrics indicate poor data quality at this position. To our knowledge, no occurrence of c.2038G>A in individuals affected with Developmental And Epileptic Encephalopathy, 30 and no experimental evidence demonstrating its impact on protein function have been reported. ClinVar contains an entry for this variant (Variation ID: 1397751). Based on the evidence outlined above, the variant was classified as uncertain significance.

Labcorp Genetics (formerly Invitae), Labcorp
Classification: Uncertain significance for Developmental and epileptic encephalopathy, 30. Last evaluated: 2024-06-03. Review status: criteria provided, single submitter. Criteria: Invitae Variant Classification Sherloc (09022015). Collection method: clinical testing. Allele origin: germline.
Comment: This sequence change replaces alanine, which is neutral and non-polar, with threonine, which is neutral and polar, at codon 680 of the SIK1 protein (p.Ala680Thr). The frequency data for this variant in the population databases is considered unreliable, as metrics indicate poor data quality at this position in the gnomAD database. This variant has not been reported in the literature in individuals affected with SIK1-related conditions. ClinVar contains an entry for this variant (Variation ID: 1397751). Advanced modeling of protein sequence and biophysical properties (such as structural, functional, and spatial information, amino acid conservation, physicochemical variation, residue mobility, and thermodynamic stability) performed at Invitae indicates that this missense variant is not expected to disrupt SIK1 protein function with a negative predictive value of 95%. In summary, the available evidence is currently insufficient to determine the role of this variant in disease. Therefore, it has been classified as a Variant of Uncertain Significance.

NM_173354.5(SIK1):c.2038G>A (p.Ala680Thr)

Gene: SIK1 (salt inducible kinase 1; minus strand). Cytogenetic location: 21q22.3.
Variant type: single nucleotide variant.
Coding change: c.2038G>A on transcript NM_173354.5 (MANE Select); coding-DNA position 2038, G replaced by A.
Protein change: p.Ala680Thr; replaces alanine 680 with threonine.
Molecular consequence: missense variant.
Genome position (GRCh38, 1-based): chr21:43,417,056, C>T on the plus strand (G>A on the coding strand, the complement: SIK1 is on the minus strand). VCF-style: chr21-43417056-C-T. GRCh37 (hg19) VCF-style: chr21-44836936-C-T.
Other names: short protein forms A680T.
Identifiers: ClinVar variation 1397751 (VCV001397751.9), dbSNP rs1223738587, ClinGen allele CA410606776.